The following is an entry in ClinVar:

NM_006767.4(LZTR1):c.2269C>T (p.Gln757Ter)

Gene: LZTR1 (leucine zipper like post translational regulator 1; plus strand). Cytogenetic location: 22q11.21.
Variant type: single nucleotide variant.
Coding change: c.2269C>T on transcript NM_006767.4 (MANE Select); coding-DNA position 2269, C replaced by T.
Protein change: p.Gln757Ter; replaces glutamine 757 with a stop codon.
Molecular consequence: nonsense.
Genome position (GRCh38, 1-based): chr22:20,996,745, C>T. VCF-style: chr22-20996745-C-T. GRCh37 (hg19) VCF-style: chr22-21351034-C-T.
Other names: short protein forms Q757*.
Identifiers: ClinVar variation 1788732 (VCV001788732.13), dbSNP rs774123273, ClinGen allele CA10119326.

ClinVar aggregate classification (germline): Pathogenic/Likely pathogenic. Review status: criteria provided, multiple submitters, no conflicts (2 of 4 stars). 5 submissions from 5 submitters: Pathogenic (3); Likely pathogenic (1). 1 of the submissions does not count toward it. Last evaluated 2025-07-09.

Conditions:
Cardiovascular phenotype. Identifiers: MedGen CN230736.
Hereditary cancer-predisposing syndrome. Also called: Hereditary Cancer Syndrome; Hereditary neoplastic syndrome; Neoplastic Syndromes, Hereditary; Tumor predisposition. Identifiers: Orphanet 140162, MedGen C0027672, MeSH D009386, MONDO:0015356.
LZTR1-related disorder. Also called: LZTR1-related disorders; LZTR1-related condition.
LZTR1-related schwannomatosis. Also called: Schwannomatosis 2; Schwannomatosis-2, susceptibility to. Identifiers: Orphanet 93921, MedGen C3810283, MONDO:0014299, OMIM 615670.

Allele frequency attached by ClinVar (database versions not stated): gnomAD exomes below 0.00001; gnomAD 0.00001; ExAC 0.00002; TOPMed 0.00002.
gnomAD v4.1: 5 of 1,613,404 alleles (0.00031%); highest among the groups gnomAD compares: African/African-American, 0.0053%; no homozygotes.

Submissions (5):

GeneDx
Classification: Pathogenic. Last evaluated: 2025-07-09. Review status: criteria provided, single submitter. Criteria: GeneDx Variant Classification Process June 2021. Collection method: clinical testing. Allele origin: germline. Affected: yes.
Comment: Nonsense variant predicted to result in protein truncation or nonsense mediated decay in a gene for which loss of function is a known mechanism of disease; Not observed at significant frequency in large population cohorts (gnomAD); This variant is associated with the following publications: (PMID: 37815686, Nakaguma2016[Poster])

Ambry Genetics
Classification: Pathogenic for Cardiovascular phenotype; Hereditary cancer-predisposing syndrome. Last evaluated: 2025-06-24. Review status: criteria provided, single submitter. Criteria: Ambry Variant Classification Scheme 2023. Collection method: clinical testing. Allele origin: germline.
Comment: The p.Q757* pathogenic mutation (also known as c.2269C>T), located in coding exon 19 of the LZTR1 gene, results from a C to T substitution at nucleotide position 2269. This changes the amino acid from a glutamine to a stop codon within coding exon 19. This alteration is expected to result in loss of function by premature protein truncation or nonsense-mediated mRNA decay. Loss-of-function variants in LZTR1 are related to an increased risk for schwannomas and autosomal recessive Noonan syndrome; however, such associations with autosomal dominant Noonan syndrome have not been observed (Piotrowski A et al. Nat Genet. 2014 Feb;46:182-7; Yamamoto GL et al. J Med Genet. 2015 Jun;52:413-21; Johnston JJ et al. Genet Med. 2018 10;20:1175-1185). Based on the supporting evidence, this variant is pathogenic for an increased risk of LZTR1-related schwannomatosis (SWN) and would be expected to cause autosomal recessive Noonan syndrome when present along with a second pathogenic or likely pathogenic variant on the other allele; however, the association of this alteration with autosomal dominant Noonan syndrome is unlikely.

Labcorp Genetics (formerly Invitae), Labcorp
Classification: Pathogenic. Last evaluated: 2025-02-25. Review status: criteria provided, single submitter. Criteria: Invitae Variant Classification Sherloc (09022015). Collection method: clinical testing. Allele origin: germline.
Comment: This sequence change creates a premature translational stop signal (p.Gln757*) in the LZTR1 gene. It is expected to result in an absent or disrupted protein product. Loss-of-function variants in LZTR1 are known to be pathogenic (PMID: 24362817, 25335493, 25480913, 25795793, 29469822, 30368668, 30442762, 30442766, 30481304, 30859559). This variant is present in population databases (rs774123273, gnomAD 0.02%). This variant has not been reported in the literature in individuals affected with LZTR1-related conditions. ClinVar contains an entry for this variant (Variation ID: 1788732). For these reasons, this variant has been classified as Pathogenic.

Blueprint Genetics
Classification: Likely pathogenic for LZTR1-related disorders. Last evaluated: 2023-04-04. Review status: criteria provided, single submitter. Criteria: ACMG Guidelines, 2015. Collection method: clinical testing. Allele origin: germline. Affected: yes. Observed: 1 variant allele.

Division of Human Genetics, National Health Laboratory Service/University of the Witwatersrand
Classification: Pathogenic for LZTR1-related schwannomatosis. Review status: no assertion criteria provided. Collection method: research. Allele origin: unknown. Affected: yes. Observed: 1 variant allele. Not counted in ClinVar's aggregate classification.

Literature cited by the submitters: PubMed 24362817 (cited by Labcorp Genetics (formerly Invitae), Labcorp); PubMed 25335493 (cited by Labcorp Genetics (formerly Invitae), Labcorp); PubMed 25480913 (cited by Labcorp Genetics (formerly Invitae), Labcorp); PubMed 25795793 (cited by Labcorp Genetics (formerly Invitae), Labcorp); PubMed 29469822 (cited by Labcorp Genetics (formerly Invitae), Labcorp); PubMed 30368668 (cited by Labcorp Genetics (formerly Invitae), Labcorp); PubMed 30442762 (cited by Labcorp Genetics (formerly Invitae), Labcorp); PubMed 30442766 (cited by Labcorp Genetics (formerly Invitae), Labcorp); PubMed 30481304 (cited by Labcorp Genetics (formerly Invitae), Labcorp); PubMed 30859559 (cited by Labcorp Genetics (formerly Invitae), Labcorp).